The following is an entry in ClinVar:

NM_017617.5(NOTCH1):c.2588-5_2588-4delinsAA

Gene: NOTCH1 (notch receptor 1; minus strand). Cytogenetic location: 9q34.3.
Variant type: Indel.
Coding change: c.2588-5_2588-4delinsAA on transcript NM_017617.5 (MANE Select); 5 bases into the intron before coding-DNA position 2588 through 4 bases into the intron before coding-DNA position 2588, CG replaced by AA.
Molecular consequence: intron variant.
Genome position (GRCh38, 1-based): chr9:136,510,809-136,510,810, CG replaced by TT on the plus strand (CG replaced by AA on the coding strand, the reverse complement: NOTCH1 is on the minus strand). VCF-style: chr9-136510809-CG-TT. GRCh37 (hg19) VCF-style: chr9-139405261-CG-TT.
Identifiers: ClinVar variation 4723386 (VCV004723386.1).

ClinVar aggregate classification (germline): Uncertain significance (1 of 4 stars; one submission).

Conditions:
Adams-Oliver syndrome 5 (AOS5). Identifiers: Orphanet 974, MedGen C4014970, MONDO:0014459, OMIM 616028.

Submission:

Labcorp Genetics (formerly Invitae), Labcorp
Classification: Uncertain significance for Adams-Oliver syndrome 5. Last evaluated: 2025-09-03. Review status: criteria provided, single submitter. Criteria: Invitae Variant Classification Sherloc (09022015). Collection method: clinical testing. Allele origin: germline.
Comment: This sequence change falls in intron 16 of the NOTCH1 gene. It does not directly change the encoded amino acid sequence of the NOTCH1 protein. Information on the frequency of this variant in the gnomAD database is not available, as this variant may be reported differently in the database. This variant has not been reported in the literature in individuals affected with NOTCH1-related conditions. Experimental studies and prediction algorithms are not available or were not evaluated, and the effect of this variant on mRNA splicing is currently unknown. In summary, the available evidence is currently insufficient to determine the role of this variant in disease. Therefore, it has been classified as a Variant of Uncertain Significance.